The following is an entry in ClinVar:

ClinVar aggregate classification (germline): Uncertain significance (1 of 4 stars; one submission).

gnomAD v4.1: 3 of 1,236,642 alleles (0.00024%); highest among the groups gnomAD compares: African/African-American, 0.0016%; no homozygotes.

Submission:

Ambry Genetics
Classification: Uncertain significance. Last evaluated: 2025-01-03. Review status: criteria provided, single submitter. Criteria: Ambry Variant Classification Scheme 2023. Collection method: clinical testing. Allele origin: germline.
Comment: The p.T13M variant (also known as c.38C>T), located in coding exon 1 of the WNK2 gene, results from a C to T substitution at nucleotide position 38. The threonine at codon 13 is replaced by methionine, an amino acid with similar properties. This amino acid position is conserved. In addition, this alteration is predicted to be tolerated by in silico analysis. Based on the available evidence, the clinical significance of this variant remains unclear.

NM_006648.4(WNK2):c.38C>T (p.Thr13Met)

Gene: WNK2 (WNK lysine deficient protein kinase 2; plus strand). Cytogenetic location: 9q22.31.
Variant type: single nucleotide variant.
Coding change: c.38C>T on transcript NM_006648.4 (MANE Select); coding-DNA position 38, C replaced by T.
Protein change: p.Thr13Met; replaces threonine 13 with methionine.
Molecular consequence: missense variant.
Genome position (GRCh38, 1-based): chr9:93,184,967, C>T. VCF-style: chr9-93184967-C-T. GRCh37 (hg19) VCF-style: chr9-95947249-C-T.
Other names: c.38C>T, p.Thr13Met (NM_001282394.3); short protein forms T13M.
Identifiers: ClinVar variation 3816711 (VCV003816711.1).